The following is an entry in ClinVar:

ClinVar aggregate classification (germline): Uncertain significance. Review status: criteria provided, multiple submitters, no conflicts (2 of 4 stars). 2 submissions from 2 submitters: Uncertain significance (2). Last evaluated 2024-05-18.

Conditions:
Hereditary cancer-predisposing syndrome. Also called: Hereditary neoplastic syndrome; Tumor predisposition; Neoplastic Syndromes, Hereditary; Hereditary Cancer Syndrome. Identifiers: Orphanet 140162, MedGen C0027672, MeSH D009386, MONDO:0015356.

Allele frequency attached by ClinVar (database versions not stated): ExAC 0.00002.

Submissions (2):

Ambry Genetics
Classification: Uncertain significance for Hereditary cancer-predisposing syndrome. Last evaluated: 2024-05-18. Review status: criteria provided, single submitter. Criteria: Ambry Variant Classification Scheme 2023. Collection method: clinical testing. Allele origin: germline.
Comment: The p.P29Q variant (also known as c.86C>A), located in coding exon 1 of the NTHL1 gene, results from a C to A substitution at nucleotide position 86. The proline at codon 29 is replaced by glutamine, an amino acid with similar properties. This amino acid position is conserved. In addition, this alteration is predicted to be tolerated by in silico analysis. Based on the available evidence, the clinical significance of this variant remains unclear.

Labcorp Genetics (formerly Invitae), Labcorp
Classification: Uncertain significance. Last evaluated: 2022-02-09. Review status: criteria provided, single submitter. Criteria: Invitae Variant Classification Sherloc (09022015). Collection method: clinical testing. Allele origin: germline.
Comment: In summary, the available evidence is currently insufficient to determine the role of this variant in disease. Therefore, it has been classified as a Variant of Uncertain Significance. Algorithms developed to predict the effect of missense changes on protein structure and function output the following: SIFT: "Not Available"; PolyPhen-2: "Benign"; Align-GVGD: "Not Available". The glutamine amino acid residue is found in multiple mammalian species, which suggests that this missense change does not adversely affect protein function. ClinVar contains an entry for this variant (Variation ID: 656740). This variant has not been reported in the literature in individuals affected with NTHL1-related conditions. The frequency data for this variant in the population databases is considered unreliable, as metrics indicate poor data quality at this position in the gnomAD database. This sequence change replaces proline, which is neutral and non-polar, with glutamine, which is neutral and polar, at codon 29 of the NTHL1 protein (p.Pro29Gln).

NM_002528.7(NTHL1):c.62C>A (p.Pro21Gln)

Gene: NTHL1 (nth like DNA glycosylase 1; minus strand). Cytogenetic location: 16p13.3.
Variant type: single nucleotide variant.
Coding change: c.62C>A on transcript NM_002528.7 (MANE Select); coding-DNA position 62, C replaced by A.
Protein change: p.Pro21Gln; replaces proline 21 with glutamine.
Molecular consequence: missense variant. On other transcripts: 5 prime UTR variant (1).
Genome position (GRCh38, 1-based): chr16:2,047,762, G>T on the plus strand (C>A on the coding strand, the complement: NTHL1 is on the minus strand). VCF-style: chr16-2047762-G-T. GRCh37 (hg19) VCF-style: chr16-2097763-G-T.
Other names: c.62C>A, p.Pro21Gln (LRG_1366t1, NM_001318193.2); c.-117C>A (NM_001318194.2); c.86C>A (NM_002528.5); short protein forms P21Q.
Identifiers: ClinVar variation 656740 (VCV000656740.9), dbSNP rs753200685, ClinGen allele CA027874.
Genomic context (GRCh38, chr16:2,047,762, plus strand): 5'-GCGCTACCTGCTGCAGCCTCTCTTCTCCGGAGAGGCCCGGGCTCCTCCCTACACCCCCGC[G>T]GCCCAGCCCCGGGTCCCAGGCTCCGGCTCCGGGTCAGCATCCTCGCGCTCAAGGCGGTCA-3'
Protein context (NP_002519.2, residues 11-31): RSRSLGPGAG[Pro21Gln]RGCREEPGPL